The following is an entry in ClinVar:

NM_005609.4(PYGM):c.737_738insGGCGGGCAAGCTGGGGT (p.Lys248fs)

Gene: PYGM (glycogen phosphorylase, muscle associated; minus strand). Cytogenetic location: 11q13.1.
Variant type: Insertion.
Coding change: c.737_738insGGCGGGCAAGCTGGGGT on transcript NM_005609.4 (MANE Select); coding-DNA positions 737 to 738, GGCGGGCAAGCTGGGGT inserted.
Protein change: p.Lys248fs; shifts the reading frame from lysine 248.
Molecular consequence: frameshift variant.
Genome position: GRCh38 VCF-style: chr11-64755481-A-AACCCCAGCTTGCCCGCC. GRCh37 (hg19) VCF-style: chr11-64522953-A-AACCCCAGCTTGCCCGCC.
Other names: c.473_474insGGCGGGCAAGCTGGGGT, p.Lys160fs (NM_001164716.1); short protein forms K160fs, K248fs.
Identifiers: ClinVar variation 5010777 (VCV005010777.1).

ClinVar aggregate classification (germline): Pathogenic (1 of 4 stars; one submission).

Conditions:
Glycogen storage disease, type V (GSD5). Also called: MCARDLE DISEASE; MUSCLE GLYCOGEN PHOSPHORYLASE DEFICIENCY; MYOPHOSPHORYLASE DEFICIENCY; PYGM DEFICIENCY; McArdle type glycogen storage disease. Identifiers: Orphanet 368, MedGen C0017924, MONDO:0009293, OMIM 232600.

Submission:

Myriad Genetics, Inc.
Classification: Pathogenic for Glycogen storage disease, type V. Last evaluated: 2024-05-14. Review status: criteria provided, single submitter. Criteria: Myriad Autosomal Dominant, Autosomal Recessive and X-Linked Classification Criteria (2023). Collection method: clinical testing. Allele origin: unknown.
Comment: NM_005609.2(PYGM):c.737_738ins17(K248Gfs*53) is expected to be pathogenic in the context of glycogen storage disease, PYGM-related. This variant is predicted to lead to an abnormal or absent protein product due to the creation of a premature termination codon in PYGM, a gene where loss-of-function variants are known to be pathogenic. Please note: this variant was assessed in the context of healthy population screening.